The following is an entry in ClinVar:

ClinVar aggregate classification (germline): Pathogenic (1 of 4 stars; one submission).

Submission:

Labcorp Genetics (formerly Invitae), Labcorp
Classification: Pathogenic. Last evaluated: 2023-01-21. Review status: criteria provided, single submitter. Criteria: Invitae Variant Classification Sherloc (09022015). Collection method: clinical testing. Allele origin: germline.
Comment: This sequence change creates a premature translational stop signal (p.Gln262*) in the ABCA3 gene. It is expected to result in an absent or disrupted protein product. Loss-of-function variants in ABCA3 are known to be pathogenic (PMID: 27516224). This variant is not present in population databases (gnomAD no frequency). This variant has not been reported in the literature in individuals affected with ABCA3-related conditions. For these reasons, this variant has been classified as Pathogenic.

Literature cited by the submitters: PubMed 27516224.

NM_001089.3(ABCA3):c.784C>T (p.Gln262Ter)

Gene: ABCA3 (ATP binding cassette subfamily A member 3; minus strand). Cytogenetic location: 16p13.3.
Variant type: single nucleotide variant.
Coding change: c.784C>T on transcript NM_001089.3 (MANE Select); coding-DNA position 784, C replaced by T.
Protein change: p.Gln262Ter; replaces glutamine 262 with a stop codon.
Molecular consequence: nonsense.
Genome position (GRCh38, 1-based): chr16:2,319,670, G>A on the plus strand (C>T on the coding strand, the complement: ABCA3 is on the minus strand). VCF-style: chr16-2319670-G-A. GRCh37 (hg19) VCF-style: chr16-2369671-G-A.
Other names: short protein forms Q262*.
Identifiers: ClinVar variation 2828327 (VCV002828327.3), dbSNP rs2505669390, ClinGen allele CA394345583.
Genomic context (GRCh38, chr16:2,319,670, plus strand): 5'-CAGCACGGGCAATGGTGAGCGCGGTGTAGGTGAAGCTGAGCAGCAGCAGCAGGGGCAGCT[G>A]GTACTGGATGGCCACGAGGAAGGGGTCTGCGATGAACGGCGGGTACGGGAACCTCTTGAT-3'